The following is an entry in ClinVar:

ClinVar aggregate classification (germline): Uncertain significance (1 of 4 stars; one submission).

Allele frequency attached by ClinVar (database versions not stated): gnomAD exomes below 0.00001.
gnomAD v4.1: 4 of 1,614,058 alleles (0.00025%); highest among the groups gnomAD compares: South Asian, 0.0011%; no homozygotes.

Submission:

Labcorp Genetics (formerly Invitae), Labcorp
Classification: Uncertain significance. Last evaluated: 2022-02-09. Review status: criteria provided, single submitter. Criteria: Invitae Variant Classification Sherloc (09022015). Collection method: clinical testing. Allele origin: germline.
Comment: This sequence change replaces histidine, which is basic and polar, with aspartic acid, which is acidic and polar, at codon 1254 of the SPEG protein (p.His1254Asp). In summary, the available evidence is currently insufficient to determine the role of this variant in disease. Therefore, it has been classified as a Variant of Uncertain Significance. Algorithms developed to predict the effect of missense changes on protein structure and function are either unavailable or do not agree on the potential impact of this missense change (SIFT: "Deleterious"; PolyPhen-2: "Probably Damaging"; Align-GVGD: "Class C0"). This variant has not been reported in the literature in individuals affected with SPEG-related conditions. This variant is not present in population databases (gnomAD no frequency).

NM_005876.5(SPEG):c.3760C>G (p.His1254Asp)

Gene: SPEG (striated muscle enriched protein kinase; plus strand). Cytogenetic location: 2q35.
Variant type: single nucleotide variant.
Coding change: c.3760C>G on transcript NM_005876.5 (MANE Select); coding-DNA position 3760, C replaced by G.
Protein change: p.His1254Asp; replaces histidine 1254 with aspartic acid.
Molecular consequence: missense variant.
Genome position (GRCh38, 1-based): chr2:219,471,912, C>G. VCF-style: chr2-219471912-C-G. GRCh37 (hg19) VCF-style: chr2-220336634-C-G.
Other names: short protein forms H1254D.
Identifiers: ClinVar variation 2095528 (VCV002095528.2), dbSNP rs1691909962, ClinGen allele CA350751228.
Genomic context (GRCh38, chr2:219,471,912, plus strand): 5'-GTCCCTCCCCTCCCAGACAGGGATGTCCATCGCTTGGTGTTCCCTGCCGTGGGGCCTCAG[C>G]ACGCCGGTGTCTACAAGAGCGTCATTGCCAACAAGCTGGGCAAAGCTGCCTGCTATGCCC-3'
Protein context (NP_005867.3, residues 1244-1264): RLVFPAVGPQ[His1254Asp]AGVYKSVIAN